The following is an entry in ClinVar:

NM_006206.6(PDGFRA):c.2243G>A (p.Arg748Lys)

Gene: PDGFRA (platelet derived growth factor receptor alpha; plus strand). Cytogenetic location: 4q12.
Variant type: single nucleotide variant.
Coding change: c.2243G>A on transcript NM_006206.6 (MANE Select); coding-DNA position 2243, G replaced by A.
Protein change: p.Arg748Lys; replaces arginine 748 with lysine.
Molecular consequence: missense variant.
Genome position (GRCh38, 1-based): chr4:54,280,402, G>A. VCF-style: chr4-54280402-G-A. GRCh37 (hg19) VCF-style: chr4-55146569-G-A.
Other names: c.2243G>A, p.Arg748Lys (NM_001347827.2, NM_001347829.2); c.2318G>A, p.Arg773Lys (NM_001347828.2); c.2282G>A, p.Arg761Lys (NM_001347830.2); short protein forms R773K, R761K, R748K.
Identifiers: ClinVar variation 1416613 (VCV001416613.6), dbSNP rs2110324276, ClinGen allele CA356894385.
Genomic context (GRCh38, chr4:54,280,402, plus strand): 5'-ATGGTGACTACATGGACATGAAGCAGGCTGATACTACACAGTATGTCCCCATGCTAGAAA[G>A]GAAAGAGGTTTCTAAATATTCCGACATCCAGAGATCACTCTATGATCGTCCAGCCTCATA-3'
Protein context (NP_006197.1, residues 738-758): DTTQYVPMLE[Arg748Lys]KEVSKYSDIQ

ClinVar aggregate classification (germline): Uncertain significance (1 of 4 stars; one submission).

Conditions:
Gastrointestinal stromal tumor. Also called: Gastrointestinal stroma tumor; Gastrointestinal stromal tumor, somatic. Identifiers: Orphanet 44890, MedGen C0238198, MeSH D046152, MONDO:0011719, OMIM 606764, HP:0100723.

Submission:

Labcorp Genetics (formerly Invitae), Labcorp
Classification: Uncertain significance for Gastrointestinal stromal tumor. Last evaluated: 2021-09-16. Review status: criteria provided, single submitter. Criteria: Invitae Variant Classification Sherloc (09022015). Collection method: clinical testing. Allele origin: germline.
Comment: In summary, the available evidence is currently insufficient to determine the role of this variant in disease. Therefore, it has been classified as a Variant of Uncertain Significance. Algorithms developed to predict the effect of missense changes on protein structure and function are either unavailable or do not agree on the potential impact of this missense change (SIFT: "Tolerated"; PolyPhen-2: "Possibly Damaging"; Align-GVGD: "Class C0"). This variant has not been reported in the literature in individuals affected with PDGFRA-related conditions. This variant is not present in population databases (ExAC no frequency). This sequence change replaces arginine with lysine at codon 748 of the PDGFRA protein (p.Arg748Lys). The arginine residue is highly conserved and there is a small physicochemical difference between arginine and lysine.